The following is an entry in ClinVar:

ClinVar aggregate classification (germline): Uncertain significance. Review status: criteria provided, multiple submitters, no conflicts (2 of 4 stars). 2 submissions from 2 submitters: Uncertain significance (2). Last evaluated 2025-09-24.

Conditions:
Pancreatic adenocarcinoma. Identifiers: MedGen C0281361, MONDO:0006047, HP:0006725.

Allele frequency attached by ClinVar (database versions not stated): gnomAD exomes below 0.00001; gnomAD 0.00001; TOPMed 0.00001.
gnomAD v4.1: 8 of 1,614,036 alleles (0.0005%); highest among the groups gnomAD compares: African/African-American, 0.0027%; no homozygotes.

Submissions (2):

Labcorp Genetics (formerly Invitae), Labcorp
Classification: Uncertain significance for Pancreatic adenocarcinoma. Last evaluated: 2025-09-24. Review status: criteria provided, single submitter. Criteria: Invitae Variant Classification Sherloc (09022015). Collection method: clinical testing. Allele origin: germline.
Comment: This sequence change replaces glutamic acid, which is acidic and polar, with aspartic acid, which is acidic and polar, at codon 590 of the PALLD protein (p.Glu590Asp). This variant is present in population databases (no rsID available, gnomAD 0.01%). This variant has not been reported in the literature in individuals affected with PALLD-related conditions. ClinVar contains an entry for this variant (Variation ID: 835803). An algorithm developed to predict the effect of missense changes on protein structure and function outputs the following: PolyPhen-2: "Possibly Damaging". The aspartic acid amino acid residue is found in multiple mammalian species, which suggests that this missense change does not adversely affect protein function. In summary, the available evidence is currently insufficient to determine the role of this variant in disease. Therefore, it has been classified as a Variant of Uncertain Significance.

Ambry Genetics
Classification: Uncertain significance. Last evaluated: 2025-03-29. Review status: criteria provided, single submitter. Criteria: Ambry Variant Classification Scheme 2023. Collection method: clinical testing. Allele origin: germline.
Comment: The p.E590D variant (also known as c.1770A>T), located in coding exon 10 of the PALLD gene, results from an A to T substitution at nucleotide position 1770. The glutamic acid at codon 590 is replaced by aspartic acid, an amino acid with highly similar properties. This amino acid position is conserved. In addition, this alteration is predicted to be tolerated by in silico analysis. Based on the available evidence, the clinical significance of this variant remains unclear.

NM_001166108.2(PALLD):c.3282A>T (p.Glu1094Asp)

Genes: CBR4 (carbonyl reductase 4; minus strand), PALLD (palladin, cytoskeletal associated protein; plus strand). Cytogenetic location: 4q32.3.
Variant type: single nucleotide variant.
Coding change: c.3282A>T on transcript NM_001166108.2 (MANE Select); coding-DNA position 3282, A replaced by T.
Protein change: p.Glu1094Asp; replaces glutamic acid 1094 with aspartic acid.
Molecular consequence: missense variant.
Genome position (GRCh38, 1-based): chr4:168,925,002, A>T. VCF-style: chr4-168925002-A-T. GRCh37 (hg19) VCF-style: chr4-169846153-A-T.
Other names: c.2085A>T, p.Glu695Asp (NM_001166109.2); c.1770A>T, p.Glu590Asp (NM_001166110.2); c.1110A>T, p.Glu370Asp (NM_001367567.1, NM_001367569.1); c.1161A>T, p.Glu387Asp (NM_001367568.1, NM_001367570.1); c.3231A>T, p.Glu1077Asp (NM_016081.4); short protein forms E1094D, E387D, E695D, E590D, E1077D, E370D.
Identifiers: ClinVar variation 835803 (VCV000835803.10), dbSNP rs1447433925, ClinGen allele CA358713846.
Genomic context (GRCh38, chr4:168,925,002, plus strand): 5'-CAGCATGCACCAGGACAACCACGGCTACATCTGCCTGCTCATTCAGGGAGCCACAAAAGA[A>T]GATGCTGGGTGGTATACTGTGTCAGCCAAGAATGAAGCAGGGATTGTGTCCTGTACTGCC-3'
Protein context (NP_001159580.1, residues 1084-1104): ICLLIQGATK[Glu1094Asp]DAGWYTVSAK